The following is an entry in ClinVar:

NM_022042.4(SLC26A1):c.56G>C (p.Arg19Pro)

Genes: IDUA (alpha-L-iduronidase; plus strand), SLC26A1 (solute carrier family 26 member 1; minus strand). Cytogenetic location: 4p16.3.
Variant type: single nucleotide variant.
Coding change: c.56G>C on transcript NM_022042.4 (MANE Select); coding-DNA position 56, G replaced by C.
Protein change: p.Arg19Pro; replaces arginine 19 with proline.
Molecular consequence: missense variant. On other transcripts: intron variant (1).
Genome position (GRCh38, 1-based): chr4:991,648, C>G on the plus strand (G>C on the coding strand, the complement: SLC26A1 is on the minus strand). VCF-style: chr4-991648-C-G. GRCh37 (hg19) VCF-style: chr4-985436-C-G.
Other names: c.56G>C, p.Arg19Pro (NM_134425.4, NM_213613.4); c.299+3699C>G (NM_000203.5); short protein forms R19P.
Identifiers: ClinVar variation 2592632 (VCV002592632.6), dbSNP rs375937274, ClinGen allele CA2801785.
Genomic context (GRCh38, chr4:991,648, plus strand): 5'-CAGCTGCACCACAGCCTGGCCTTCAGCATCTCACGCAGACCCCGGGGTGCTGGGCGCTGC[C>G]GTCGGACCGGCACCGGCCCTCTGCCCTGCTGCAGAGGCTCAGGGGACTCGTCCATCCTGT-3'
Protein context (NP_071325.2, residues 9-29): QQGRGPVPVR[Arg19Pro]QRPAPRGLRE

ClinVar aggregate classification (germline): Uncertain significance. Review status: criteria provided, multiple submitters, no conflicts (2 of 4 stars). 2 submissions from 2 submitters: Uncertain significance (2). Last evaluated 2026-01-12.

Conditions:
Inborn genetic diseases. Identifiers: MedGen C0950123, MeSH D030342.

gnomAD v4.1: 7 of 1,552,562 alleles (0.00045%); highest among the groups gnomAD compares: Admixed American, 0.0072%; no homozygotes.

Submissions (2):

Labcorp Genetics (formerly Invitae), Labcorp
Classification: Uncertain significance. Last evaluated: 2026-01-12. Review status: criteria provided, single submitter. Criteria: Invitae Variant Classification Sherloc (09022015). Collection method: clinical testing. Allele origin: germline.
Comment: This sequence change replaces arginine, which is basic and polar, with proline, which is neutral and non-polar, at codon 19 of the SLC26A1 protein (p.Arg19Pro). This variant is not present in population databases (gnomAD no frequency). This variant has not been reported in the literature in individuals affected with SLC26A1-related conditions. ClinVar contains an entry for this variant (Variation ID: 2592632). An algorithm developed to predict the effect of missense changes on protein structure and function (PolyPhen-2) suggests that this variant is likely to be disruptive. In summary, the available evidence is currently insufficient to determine the role of this variant in disease. Therefore, it has been classified as a Variant of Uncertain Significance.

Ambry Genetics
Classification: Uncertain significance for Inborn genetic diseases. Last evaluated: 2025-09-21. Review status: criteria provided, single submitter. Criteria: Ambry Variant Classification Scheme 2023. Collection method: clinical testing. Allele origin: germline.